The following is an entry in ClinVar:

NM_018714.3(COG1):c.542_543inv (p.Ala181Val)

Gene: COG1 (component of oligomeric golgi complex 1; plus strand). Cytogenetic location: 17q25.1.
Variant type: Inversion.
Coding change: c.542_543inv on transcript NM_018714.3 (MANE Select).
Protein change: p.Ala181Val; replaces alanine 181 with valine.
Molecular consequence: missense variant.
Genome position: GRCh38 VCF-style: chr17-73196733-CA-TG. GRCh37 (hg19) VCF-style: chr17-71192872-CA-TG.
Other names: c.542_543delinsTG (NM_018714.2); c.542_543inv (NM_018714.2); short protein forms A181V.
Identifiers: ClinVar variation 968435 (VCV000968435.11), ClinGen allele CA1139665866.

ClinVar aggregate classification (germline): Uncertain significance. Review status: criteria provided, multiple submitters, no conflicts (2 of 4 stars). 2 submissions from 2 submitters: Uncertain significance (2). Last evaluated 2026-01-26.

Conditions:
Inborn genetic diseases. Identifiers: MedGen C0950123, MeSH D030342.
COG1 congenital disorder of glycosylation (CDG2G). Also called: CDG IIg; CDGII/COG1 CEREBROCOSTOMANDIBULAR-LIKE SYNDROME; CONGENITAL DISORDER OF GLYCOSYLATION, TYPE IIg. Identifiers: Orphanet 263508, MedGen C2931011, MONDO:0012637, OMIM 611209.

Submissions (2):

Ambry Genetics
Classification: Uncertain significance for Inborn genetic diseases. Last evaluated: 2026-01-26. Review status: criteria provided, single submitter. Criteria: Ambry Variant Classification Scheme 2023. Collection method: clinical testing. Allele origin: germline.
Comment: This variant was not reported in population-based cohorts in the Genome Aggregation Database (gnomAD). Based on insufficient or conflicting evidence, the clinical significance of this alteration remains unclear.

Labcorp Genetics (formerly Invitae), Labcorp
Classification: Uncertain significance for COG1 congenital disorder of glycosylation. Last evaluated: 2022-10-24. Review status: criteria provided, single submitter. Criteria: Invitae Variant Classification Sherloc (09022015). Collection method: clinical testing. Allele origin: germline.
Comment: In summary, the available evidence is currently insufficient to determine the role of this variant in disease. Therefore, it has been classified as a Variant of Uncertain Significance. Algorithms developed to predict the effect of missense changes on protein structure and function are either unavailable or do not agree on the potential impact of this missense change (SIFT: "Not Available"; PolyPhen-2: "Possibly Damaging"; Align-GVGD: "Not Available"). ClinVar contains an entry for this variant (Variation ID: 968435). This variant has not been reported in the literature in individuals affected with COG1-related conditions. This variant is present in population databases (no rsID available, gnomAD 1.0%). This sequence change replaces alanine, which is neutral and non-polar, with valine, which is neutral and non-polar, at codon 181 of the COG1 protein (p.Ala181Val).